The following is an entry in ClinVar:

ClinVar aggregate classification (germline): Conflicting classifications of pathogenicity. Review status: criteria provided, conflicting classifications (1 of 4 stars). 5 submissions from 5 submitters: Uncertain significance (3); Likely benign (1). 1 of the submissions does not count toward it. Last evaluated 2026-01-07.

Conditions:
Breast-ovarian cancer, familial, susceptibility to, 5 (BROVCA5). Identifiers: MedGen C5830615, MONDO:0957530, OMIM 620442.
Hereditary cancer-predisposing syndrome. Also called: Hereditary Cancer Syndrome; Hereditary neoplastic syndrome; Tumor predisposition; Neoplastic Syndromes, Hereditary. Identifiers: Orphanet 140162, MedGen C0027672, MeSH D009386, MONDO:0015356.
Familial cancer of breast. Also called: hereditary breast carcinoma; Hereditary breast cancer; BREAST CANCER, FAMILIAL. Identifiers: Orphanet 227535, MedGen C0346153, MONDO:0016419, OMIM 114480. Disease mechanism: loss of function.

Allele frequency attached by ClinVar (database versions not stated): gnomAD exomes below 0.00001.
gnomAD v4.1: 2 of 1,614,218 alleles (0.00012%); highest among the groups gnomAD compares: Non-Finnish European, 0.00017%; no homozygotes.

Submissions (5):

Dasa
Classification: Uncertain significance for Breast-ovarian cancer, familial, susceptibility to, 5. Last evaluated: 2026-01-07. Review status: criteria provided, single submitter. Criteria: DASA Assertion Criteria. Collection method: clinical testing. Allele origin: germline.
Comment: NM_024675.4(PALB2):c.1376A>G (p.Asp459Gly) is a missense variant that results in the substitution of aspartic acid with glycine. This variant is rare in population databases. The currently available literature and clinical evidence are not sufficient to establish a definitive association between this variant and the reported condition. Therefore, this variant is classified as a variant of uncertain significance.

Labcorp Genetics (formerly Invitae), Labcorp
Classification: Uncertain significance for Familial cancer of breast. Last evaluated: 2025-07-30. Review status: criteria provided, single submitter. Criteria: Invitae Variant Classification Sherloc (09022015). Collection method: clinical testing. Allele origin: germline.
Comment: This sequence change replaces aspartic acid, which is acidic and polar, with glycine, which is neutral and non-polar, at codon 459 of the PALB2 protein (p.Asp459Gly). This variant is not present in population databases (gnomAD no frequency). This missense change has been observed in individual(s) with breast and/or ovarian cancer (PMID: 25186627, 35610400). ClinVar contains an entry for this variant (Variation ID: 630621). Invitae Evidence Modeling of protein sequence and biophysical properties (such as structural, functional, and spatial information, amino acid conservation, physicochemical variation, residue mobility, and thermodynamic stability) indicates that this missense variant is not expected to disrupt PALB2 protein function with a negative predictive value of 80%. In summary, the available evidence is currently insufficient to determine the role of this variant in disease. Therefore, it has been classified as a Variant of Uncertain Significance.

Ambry Genetics
Classification: Likely benign for Hereditary cancer-predisposing syndrome. Last evaluated: 2024-03-22. Review status: criteria provided, single submitter. Criteria: Ambry Variant Classification Scheme 2023. Collection method: clinical testing. Allele origin: germline.

Color Diagnostics, LLC DBA Color Health
Classification: Uncertain significance for Hereditary cancer-predisposing syndrome. Last evaluated: 2022-09-19. Review status: criteria provided, single submitter. Criteria: ACMG Guidelines, 2015. Collection method: clinical testing. Allele origin: germline.
Comment: This missense variant replaces aspartic acid with glycine at codon 459 of the PALB2 protein. Computational prediction suggests that this variant may not impact protein structure and function (internally defined REVEL score threshold <= 0.5, PMID: 27666373). To our knowledge, functional studies have not been reported for this variant. This variant has not been reported in individuals affected with hereditary cancer in the literature. This variant has not been identified in the general population by the Genome Aggregation Database (gnomAD). The available evidence is insufficient to determine the role of this variant in disease conclusively. Therefore, this variant is classified as a Variant of Uncertain Significance.

Leiden Open Variation Database
Classification: Likely benign for Familial cancer of breast. Last evaluated: 2019-05-13. Review status: no assertion criteria provided. Collection method: curation. Allele origin: germline. Affected: yes. Not counted in ClinVar's aggregate classification.
Comment: Curators: Marc Tischkowitz, Arleen D. Auerbach. Submitter to LOVD: Marc Tischkowitz.

Literature cited by the submitters: PubMed 25186627 (cited by Labcorp Genetics (formerly Invitae), Labcorp and Leiden Open Variation Database); PubMed 35610400 (cited by Labcorp Genetics (formerly Invitae), Labcorp).

NM_024675.4(PALB2):c.1376A>G (p.Asp459Gly)

Gene: PALB2 (partner and localizer of BRCA2; minus strand). Cytogenetic location: 16p12.2.
Variant type: single nucleotide variant.
Coding change: c.1376A>G on transcript NM_024675.4 (MANE Select); coding-DNA position 1376, A replaced by G.
Protein change: p.Asp459Gly; replaces aspartic acid 459 with glycine.
Molecular consequence: missense variant.
Genome position (GRCh38, 1-based): chr16:23,635,170, T>C on the plus strand (A>G on the coding strand, the complement: PALB2 is on the minus strand). VCF-style: chr16-23635170-T-C. GRCh37 (hg19) VCF-style: chr16-23646491-T-C.
Other names: short protein forms D459G.
Identifiers: ClinVar variation 630621 (VCV000630621.17), dbSNP rs1031787378, ClinGen allele CA279498431.